The following is an entry in ClinVar:

ClinVar aggregate classification (germline): Uncertain significance (1 of 4 stars; one submission).

Allele frequency attached by ClinVar (database versions not stated): gnomAD exomes below 0.00001; gnomAD 0.00001; TOPMed 0.00001.
gnomAD v4.1: 3 of 1,608,736 alleles (0.00019%); highest among the groups gnomAD compares: African/African-American, 0.0013%; no homozygotes.

Submission:

Labcorp Genetics (formerly Invitae), Labcorp
Classification: Uncertain significance. Last evaluated: 2021-12-06. Review status: criteria provided, single submitter. Criteria: Invitae Variant Classification Sherloc (09022015). Collection method: clinical testing. Allele origin: germline.
Comment: In summary, the available evidence is currently insufficient to determine the role of this variant in disease. Therefore, it has been classified as a Variant of Uncertain Significance. Algorithms developed to predict the effect of missense changes on protein structure and function are either unavailable or do not agree on the potential impact of this missense change (SIFT: "Tolerated"; PolyPhen-2: "Possibly Damaging"; Align-GVGD: "Class C0"). This variant has not been reported in the literature in individuals affected with PROM1-related conditions. This variant is not present in population databases (gnomAD no frequency). This sequence change replaces asparagine, which is neutral and polar, with histidine, which is basic and polar, at codon 535 of the PROM1 protein (p.Asn535His).

NM_006017.3(PROM1):c.1603A>C (p.Asn535His)

Gene: PROM1 (prominin 1; minus strand). Cytogenetic location: 4p15.32.
Variant type: single nucleotide variant.
Coding change: c.1603A>C on transcript NM_006017.3 (MANE Select); coding-DNA position 1603, A replaced by C.
Protein change: p.Asn535His; replaces asparagine 535 with histidine.
Molecular consequence: missense variant.
Genome position (GRCh38, 1-based): chr4:15,998,464, T>G on the plus strand (A>C on the coding strand, the complement: PROM1 is on the minus strand). VCF-style: chr4-15998464-T-G. GRCh37 (hg19) VCF-style: chr4-16000087-T-G.
Other names: c.1576A>C, p.Asn526His (NM_001145847.2, NM_001145848.2, NM_001145851.2 and 4 more transcripts); c.1603A>C, p.Asn535His (NM_001145849.2, NM_001145850.2); short protein forms N526H, N535H.
Identifiers: ClinVar variation 1471559 (VCV001471559.6), dbSNP rs1577928508, ClinGen allele CA356432011.
Genomic context (GRCh38, chr4:15,998,464, plus strand): 5'-TGAGCTTCATTTTTGATTTATTAAATAGCTTCCCAGAGAGATAGTATTCCCAGTCTTCAT[T>G]TAGTAAGTAGGGTGTATCCAAAACCTAGAACACATTAGGAAGTATTTTCGAAAAATCAGT-3'
Protein context (NP_006008.1, residues 525-545): FRVLDTPYLL[Asn535His]EDWEYYLSGK